The following is an entry in ClinVar:

ClinVar aggregate classification (germline): Uncertain significance (1 of 4 stars; one submission).

Conditions:
Epidermolysis bullosa simplex 5B, with muscular dystrophy (EBS5B). Also called: EPIDERMOLYSIS BULLOSA SIMPLEX AND LIMB-GIRDLE MUSCULAR DYSTROPHY; Epidermolysis bullosa simplex with muscular dystrophy. Identifiers: Orphanet 257, MedGen C2931072, MONDO:0009181, OMIM 226670.
Epidermolysis bullosa simplex 5C, with pyloric atresia (EBS5C). Also called: Epidermolysis bullosa simplex with pyloric atresia; PLEC-Related Epidermolysis Bullosa with Pyloric Atresia; PLEC1-Related Epidermolysis Bullosa with Pyloric Atresia. Identifiers: Orphanet 158684, MedGen C2677349, MONDO:0012807, OMIM 612138.
Autosomal recessive limb-girdle muscular dystrophy type 2Q (LGMDR17). Also called: MUSCULAR DYSTROPHY, LIMB-GIRDLE, AUTOSOMAL RECESSIVE 17. Identifiers: Orphanet 254361, MedGen C3150989, MONDO:0013390, OMIM 613723.
Epidermolysis bullosa simplex with nail dystrophy (EBS5D). Identifiers: MedGen C4225309, MONDO:0014661, OMIM 616487.
Epidermolysis bullosa simplex, Ogna type (EBS5A). Also called: Pidermolysis bullosa simplex 5A, Ogna type; EPIDERMOLYSIS BULLOSA SIMPLEX 5A, OGNA TYPE. Identifiers: Orphanet 79401, MedGen C0432317, MONDO:0007555, OMIM 131950.

gnomAD v4.1: 5 of 1,603,030 alleles (0.00031%); highest among the groups gnomAD compares: Non-Finnish European, 0.00042%; no homozygotes.

Submission:

Labcorp Genetics (formerly Invitae), Labcorp
Classification: Uncertain significance for Autosomal recessive limb-girdle muscular dystrophy type 2Q; Epidermolysis bullosa simplex, Ogna type; Epidermolysis bullosa simplex with nail dystrophy; Epidermolysis bullosa simplex 5C, with pyloric atresia; Epidermolysis bullosa simplex 5B, with muscular dystrophy. Last evaluated: 2020-07-15. Review status: criteria provided, single submitter. Criteria: Invitae Variant Classification Sherloc (09022015). Collection method: clinical testing. Allele origin: germline.
Comment: In summary, the available evidence is currently insufficient to determine the role of this variant in disease. Therefore, it has been classified as a Variant of Uncertain Significance. Algorithms developed to predict the effect of missense changes on protein structure and function (SIFT, PolyPhen-2, Align-GVGD) all suggest that this variant is likely to be disruptive, but these predictions have not been confirmed by published functional studies and their clinical significance is uncertain. This variant has not been reported in the literature in individuals with PLEC-related conditions. This variant is not present in population databases (ExAC no frequency). This sequence change replaces lysine with asparagine at codon 3072 of the PLEC protein (p.Lys3072Asn). The lysine residue is highly conserved and there is a moderate physicochemical difference between lysine and asparagine.

NM_201384.3(PLEC):c.9135G>T (p.Lys3045Asn)

Gene: PLEC (plectin; minus strand). Cytogenetic location: 8q24.3.
Variant type: single nucleotide variant.
Coding change: c.9135G>T on transcript NM_201384.3 (MANE Select); coding-DNA position 9135, G replaced by T.
Protein change: p.Lys3045Asn; replaces lysine 3045 with asparagine.
Molecular consequence: missense variant.
Genome position (GRCh38, 1-based): chr8:143,920,686, C>A on the plus strand (G>T on the coding strand, the complement: PLEC is on the minus strand). VCF-style: chr8-143920686-C-A. GRCh37 (hg19) VCF-style: chr8-144994854-C-A.
Other names: c.9216G>T, p.Lys3072Asn (NM_000445.5); c.9093G>T, p.Lys3031Asn (NM_201378.4); c.9069G>T, p.Lys3023Asn (NM_201379.3); c.9546G>T, p.Lys3182Asn (NM_201380.4); c.9039G>T, p.Lys3013Asn (NM_201381.3); c.9135G>T, p.Lys3045Asn (NM_201382.4); c.9147G>T, p.Lys3049Asn (NM_201383.3); short protein forms K3013N, K3072N, K3182N, K3045N, K3049N, K3023N, K3031N.
Identifiers: ClinVar variation 1043148 (VCV001043148.9), dbSNP rs1563978244, ClinGen allele CA372513684.